The following is an entry in ClinVar:

NM_000051.4(ATM):c.4774G>T (p.Glu1592Ter)

Gene: ATM (ATM serine/threonine kinase; plus strand). Cytogenetic location: 11q22.3.
Variant type: single nucleotide variant.
Coding change: c.4774G>T on transcript NM_000051.4 (MANE Select); coding-DNA position 4774, G replaced by T.
Protein change: p.Glu1592Ter; replaces glutamic acid 1592 with a stop codon.
Molecular consequence: nonsense.
Genome position (GRCh38, 1-based): chr11:108,293,475, G>T. VCF-style: chr11-108293475-G-T. GRCh37 (hg19) VCF-style: chr11-108164202-G-T.
Other names: c.4774G>T, p.Glu1592Ter (NM_001351834.2); short protein forms E1592*.
Identifiers: ClinVar variation 230473 (VCV000230473.6), dbSNP rs876658587, ClinGen allele CA10579165.
Genomic context (GRCh38, chr11:108,293,475, plus strand): 5'-AAGGATTTGCGTATTACTCAGCAAAAAATCAAATACAGTAGAGGACCCTTTTCACTCTTG[G>T]AGGTAATAAAAATTTCATCATCTACTATTTTTTATTAGAGAACATAGTAGTACTTTTCAA-3'

ClinVar aggregate classification (germline): Pathogenic. Review status: criteria provided, multiple submitters, no conflicts (2 of 4 stars). 2 submissions from 2 submitters: Pathogenic (2). Last evaluated 2023-11-14.

Conditions:
Familial cancer of breast. Also called: BREAST CANCER, FAMILIAL; hereditary breast carcinoma; Hereditary breast cancer. Identifiers: Orphanet 227535, MedGen C0346153, MONDO:0016419, OMIM 114480. Disease mechanism: loss of function.
Hereditary cancer-predisposing syndrome. Also called: Neoplastic Syndromes, Hereditary; Tumor predisposition; Hereditary Cancer Syndrome; Hereditary neoplastic syndrome. Identifiers: Orphanet 140162, MedGen C0027672, MeSH D009386, MONDO:0015356.

Submissions (2):

Myriad Genetics, Inc.
Classification: Pathogenic for Familial cancer of breast. Last evaluated: 2023-11-14. Review status: criteria provided, single submitter. Criteria: Myriad Autosomal Dominant, Autosomal Recessive and X-Linked Classification Criteria (2023). Collection method: clinical testing. Allele origin: unknown.
Comment: This variant is considered pathogenic. This variant creates a termination codon and is predicted to result in premature protein truncation.

Ambry Genetics
Classification: Pathogenic for Hereditary cancer-predisposing syndrome. Last evaluated: 2015-02-20. Review status: criteria provided, single submitter. Criteria: Ambry Variant Classification Scheme 2023. Collection method: clinical testing. Allele origin: germline.
Comment: The p.E1592* pathogenic mutation (also known as c.4774G>T), located in coding exon 30 of the ATM gene, results from a G to T substitution at nucleotide position 4774. This changes the amino acid from a glutamic acid to a stop codon within coding exon 30. Since premature stop codons are typically deleterious in nature, this alteration is interpreted as a disease-causing mutation (ACMG Recommendations for Standards for Interpretation and Reporting of Sequence Variations. Revision 2007. Genet Med. 2008;10:294).